The following is an entry in ClinVar:

NM_206933.4(USH2A):c.6653T>C (p.Leu2218Pro)

Gene: USH2A (usherin; minus strand). Cytogenetic location: 1q41.
Variant type: single nucleotide variant.
Coding change: c.6653T>C on transcript NM_206933.4 (MANE Select); coding-DNA position 6653, T replaced by C.
Protein change: p.Leu2218Pro; replaces leucine 2218 with proline.
Molecular consequence: missense variant.
Genome position (GRCh38, 1-based): chr1:215,998,891, A>G on the plus strand (T>C on the coding strand, the complement: USH2A is on the minus strand). VCF-style: chr1-215998891-A-G. GRCh37 (hg19) VCF-style: chr1-216172233-A-G.
Other names: c.6653T>C (NM_206933.3); short protein forms L2218P.
Identifiers: ClinVar variation 2169494 (VCV002169494.5), dbSNP rs2527618828, ClinGen allele CA344860880.
Genomic context (GRCh38, chr1:215,998,891, plus strand): 5'-AAGGGGAGAAGAAGTGGAAGGAATGGGGACAGAGAAAGTGATGGAAATAAACTTACTCCC[A>G]GCTTGATGAGATATTTATTACCAGGTAAAACGTATTGTAGCATATGATCCTGGAAAAGTT-3'
Protein context (NP_996816.3, residues 2208-2228): VLPGNKYLIK[Leu2218Pro]GACTGGGCTV

ClinVar aggregate classification (germline): Conflicting classifications of pathogenicity. Review status: criteria provided, conflicting classifications (1 of 4 stars). 2 submissions from 2 submitters: Likely pathogenic (1); Uncertain significance (1). Last evaluated 2024-12-09.

Submissions (2):

Labcorp Genetics (formerly Invitae), Labcorp
Classification: Likely pathogenic. Last evaluated: 2024-12-09. Review status: criteria provided, single submitter. Criteria: Invitae Variant Classification Sherloc (09022015). Collection method: clinical testing. Allele origin: germline.
Comment: This sequence change replaces leucine, which is neutral and non-polar, with proline, which is neutral and non-polar, at codon 2218 of the USH2A protein (p.Leu2218Pro). This variant is not present in population databases (gnomAD no frequency). This missense change has been observed in individual(s) with Usher syndrome (PMID: 29625443, 38219857). In at least one individual the data is consistent with being in trans (on the opposite chromosome) from a pathogenic variant. ClinVar contains an entry for this variant (Variation ID: 2169494). Invitae Evidence Modeling of protein sequence and biophysical properties (such as structural, functional, and spatial information, amino acid conservation, physicochemical variation, residue mobility, and thermodynamic stability) has been performed for this missense variant. However, the output from this modeling did not meet the statistical confidence thresholds required to predict the impact of this variant on USH2A protein function. In summary, the currently available evidence indicates that the variant is pathogenic, but additional data are needed to prove that conclusively. Therefore, this variant has been classified as Likely Pathogenic.

Revvity Omics, Revvity
Classification: Uncertain significance. Last evaluated: 2024-09-11. Review status: criteria provided, single submitter. Criteria: ACMG Guidelines, 2015. Collection method: clinical testing. Allele origin: germline.

Literature cited by the submitters: PubMed 29625443 (cited by Labcorp Genetics (formerly Invitae), Labcorp); PubMed 38219857 (cited by Labcorp Genetics (formerly Invitae), Labcorp).